The following is an entry in ClinVar:

ClinVar aggregate classification (germline): Pathogenic (1 of 4 stars; one submission).

Submission:

GeneDx
Classification: Pathogenic. Last evaluated: 2017-10-02. Review status: criteria provided, single submitter. Criteria: GeneDx Variant Classification (06012015). Collection method: clinical testing. Allele origin: germline. Affected: yes.
Comment: The c.895delT pathogenic variant in the SATB2 gene causes a frameshift starting with codon Serine 299, changes this amino acid to a Leucine residue and creates a premature Stop codon at position 9 of the new reading frame, denoted p.Ser299LeufsX9. This pathogenic variant is predicted to cause loss of normal protein function either through protein truncation or nonsense-mediated mRNA decay. The c.895delT variant is not observed in large population cohorts (Lek et al., 2016).

NM_001172509.2(SATB2):c.895del (p.Ser299fs)

Gene: SATB2 (SATB homeobox 2; minus strand). Cytogenetic location: 2q33.1.
Variant type: Deletion.
Coding change: c.895del on transcript NM_001172509.2 (MANE Select); coding-DNA position 895, one base deleted (T; older notation c.895delT).
Protein change: p.Ser299fs; shifts the reading frame from serine 299.
Molecular consequence: frameshift variant.
Genome position (GRCh38, 1-based): chr2:199,348,979, A deleted on the plus strand (T on the coding strand, the reverse complement: SATB2 is on the minus strand); the first of 3 consecutive A bases (chr2:199,348,979-199,348,981); deleting any one gives the same sequence. VCF-style (leftmost placement, unchanged base first): chr2-199348978-GA-G. GRCh37 (hg19) VCF-style: chr2-200213701-GA-G.
Other names: c.895del, p.Ser299fs (NM_001172517.1, NM_015265.4); short protein forms S299fs.
Identifiers: ClinVar variation 452556 (VCV000452556.2), dbSNP rs1553551647, ClinGen allele CA658657193.